The following is an entry in ClinVar:

ClinVar aggregate classification (germline): Uncertain significance (1 of 4 stars; one submission).

Allele frequency attached by ClinVar (database versions not stated): gnomAD exomes below 0.00001.
gnomAD v4.1: 5 of 1,588,584 alleles (0.00031%); highest among the groups gnomAD compares: Non-Finnish European, 0.00043%; no homozygotes.

Submission:

GeneDx
Classification: Uncertain significance. Last evaluated: 2020-10-27. Review status: criteria provided, single submitter. Criteria: GeneDx Variant Classification Process June 2021. Collection method: clinical testing. Allele origin: germline. Affected: yes.
Comment: Not observed in large population cohorts (Lek et al., 2016); In silico analysis supports that this missense variant has a deleterious effect on protein structure/function; Has not been previously published as pathogenic or benign to our knowledge

NM_001377.3(DYNC2H1):c.5189G>A (p.Gly1730Asp)

Gene: DYNC2H1 (dynein cytoplasmic 2 heavy chain 1; plus strand). Cytogenetic location: 11q22.3.
Variant type: single nucleotide variant.
Coding change: c.5189G>A on transcript NM_001377.3 (MANE Select); coding-DNA position 5189, G replaced by A.
Protein change: p.Gly1730Asp; replaces glycine 1730 with aspartic acid.
Molecular consequence: missense variant.
Genome position (GRCh38, 1-based): chr11:103,170,923, G>A. VCF-style: chr11-103170923-G-A. GRCh37 (hg19) VCF-style: chr11-103041652-G-A.
Other names: c.5189G>A, p.Gly1730Asp (NM_001080463.2); short protein forms G1730D.
Identifiers: ClinVar variation 1318722 (VCV001318722.2), dbSNP rs1280509051, ClinGen allele CA382241612.
Genomic context (GRCh38, chr11:103,170,923, plus strand): 5'-TAATTTTTATTGTTGTTTTTAAGGGCATCGATGTGAAGTCAATGGGACGAATATTTGTTG[G>A]TTTGGTGAAGTGTGGGGCCTGGGGTTGTTTTGATGAATTTAATAGGCTGGAAGAATCTGT-3'
Protein context (NP_001368.2, residues 1720-1740): DVKSMGRIFV[Gly1730Asp]LVKCGAWGCF